The following is an entry in ClinVar:

NM_001363711.2(DUOX2):c.1131+16G>A

Gene: DUOX2 (dual oxidase 2; minus strand). Cytogenetic location: 15q21.1.
Variant type: single nucleotide variant.
Coding change: c.1131+16G>A on transcript NM_001363711.2 (MANE Select); 16 bases into the intron after coding-DNA position 1131, G replaced by A.
Molecular consequence: intron variant.
Genome position (GRCh38, 1-based): chr15:45,109,874, C>T on the plus strand (G>A on the coding strand, the complement: DUOX2 is on the minus strand). VCF-style: chr15-45109874-C-T. GRCh37 (hg19) VCF-style: chr15-45402072-C-T.
Other names: c.1131+16G>A (NM_014080.5).
Identifiers: ClinVar variation 4766104 (VCV004766104.1).
Genomic context (GRCh38, chr15:45,109,874, plus strand): 5'-GGATTGTTGCTTTTCCCAGCCTGTGTGAAGAGACTGACCTTGACCCATCTTCCCCTGACC[C>T]TGACCCCAGTCTGACCTCCCGAATCCAGTAGTTGTTGCAGACCCTGAGAGCTTGGGAGCT-3'

ClinVar aggregate classification (germline): Uncertain significance (1 of 4 stars; one submission).

gnomAD v4.1: 2 of 1,613,492 alleles (0.00012%); highest among the groups gnomAD compares: Non-Finnish European, 0.00017%; no homozygotes.

Submission:

Labcorp Genetics (formerly Invitae), Labcorp
Classification: Uncertain significance. Last evaluated: 2025-07-02. Review status: criteria provided, single submitter. Criteria: Invitae Variant Classification Sherloc (09022015). Collection method: clinical testing. Allele origin: germline.
Comment: This sequence change falls in intron 10 of the DUOX2 gene. It does not directly change the encoded amino acid sequence of the DUOX2 protein. This variant is not present in population databases (gnomAD no frequency). This variant has not been reported in the literature in individuals affected with DUOX2-related conditions. Algorithms developed to predict the effect of sequence changes on RNA splicing suggest that this variant may disrupt the consensus splice site. In summary, the available evidence is currently insufficient to determine the role of this variant in disease. Therefore, it has been classified as a Variant of Uncertain Significance.